The following is an entry in ClinVar:

ClinVar aggregate classification (germline): Pathogenic (1 of 4 stars; one submission).

Conditions:
Epilepsy, familial focal, with variable foci 3 (FFEVF3). Identifiers: MedGen C4310708, MONDO:0014925, OMIM 617118.

Submission:

Labcorp Genetics (formerly Invitae), Labcorp
Classification: Pathogenic for Epilepsy, familial focal, with variable foci 3. Last evaluated: 2023-10-22. Review status: criteria provided, single submitter. Criteria: Invitae Variant Classification Sherloc (09022015). Collection method: clinical testing. Allele origin: germline.
Comment: This sequence change creates a premature translational stop signal (p.Glu176*) in the NPRL3 gene. It is expected to result in an absent or disrupted protein product. Loss-of-function variants in NPRL3 are known to be pathogenic (PMID: 26285051, 26505888). This variant is not present in population databases (gnomAD no frequency). This variant has not been reported in the literature in individuals affected with NPRL3-related conditions. For these reasons, this variant has been classified as Pathogenic.

Literature cited by the submitters: PubMed 26285051; PubMed 26505888.

NM_001077350.3(NPRL3):c.526G>T (p.Glu176Ter)

Genes: HBA-LCR (alpha-globin locus control region; plus strand), NPRL3 (NPR3 like, GATOR1 complex subunit; minus strand). Cytogenetic location: 16p13.3.
Variant type: single nucleotide variant.
Coding change: c.526G>T on transcript NM_001077350.3 (MANE Select); coding-DNA position 526, G replaced by T.
Protein change: p.Glu176Ter; replaces glutamic acid 176 with a stop codon.
Molecular consequence: nonsense. On other transcripts: 5 prime UTR variant (1).
Genome position (GRCh38, 1-based): chr16:112,643, C>A on the plus strand (G>T on the coding strand, the complement: NPRL3 is on the minus strand). VCF-style: chr16-112643-C-A. GRCh37 (hg19) VCF-style: chr16-162642-C-A.
Other names: c.-12G>T (NM_001039476.3); c.292G>T, p.Glu98Ter (NM_001243247.2); c.451G>T, p.Glu151Ter (NM_001243248.2, NM_001243249.2); short protein forms E98*, E151*, E176*.
Identifiers: ClinVar variation 2770602 (VCV002770602.3), dbSNP rs2542856022, ClinGen allele CA393993632.